The following is an entry in ClinVar:

ClinVar aggregate classification (germline): Uncertain significance (1 of 4 stars; one submission).

Conditions:
Intellectual developmental disorder, X-linked, syndromic, Hedera type. Also called: Syndromic X-linked intellectual disability Hedera type. Identifiers: Orphanet 93952, MedGen C1845543, MONDO:0010319, OMIM 300423.

Submission:

Labcorp Genetics (formerly Invitae), Labcorp
Classification: Uncertain significance for Intellectual developmental disorder, X-linked, syndromic, Hedera type. Last evaluated: 2025-05-11. Review status: criteria provided, single submitter. Criteria: Invitae Variant Classification Sherloc (09022015). Collection method: clinical testing. Allele origin: germline.
Comment: This sequence change replaces leucine, which is neutral and non-polar, with phenylalanine, which is neutral and non-polar, at codon 273 of the ATP6AP2 protein (p.Leu273Phe). This variant is not present in population databases (gnomAD no frequency). This variant has not been reported in the literature in individuals affected with ATP6AP2-related conditions. Invitae Evidence Modeling of protein sequence and biophysical properties (such as structural, functional, and spatial information, amino acid conservation, physicochemical variation, residue mobility, and thermodynamic stability) indicates that this missense variant is not expected to disrupt ATP6AP2 protein function with a negative predictive value of 80%. In summary, the available evidence is currently insufficient to determine the role of this variant in disease. Therefore, it has been classified as a Variant of Uncertain Significance.

NM_005765.3(ATP6AP2):c.817C>T (p.Leu273Phe)

Gene: ATP6AP2 (ATPase H+ transporting accessory protein 2; plus strand). Cytogenetic location: Xp11.4.
Variant type: single nucleotide variant.
Coding change: c.817C>T on transcript NM_005765.3 (MANE Select); coding-DNA position 817, C replaced by T.
Protein change: p.Leu273Phe; replaces leucine 273 with phenylalanine.
Molecular consequence: missense variant.
Genome position (GRCh38, 1-based): chrX:40,600,840, C>T. VCF-style: chrX-40600840-C-T. GRCh37 (hg19) VCF-style: chrX-40460092-C-T.
Other names: short protein forms L273F.
Identifiers: ClinVar variation 4745445 (VCV004745445.1).
Genomic context (GRCh38, chrX:40,600,840, plus strand): 5'-AGTCTTTATGGTGGGAATGCAGTGGTAGAGTTAGTCACTGTCAAGTCATTTGACACCTCC[C>T]TCATTAGGAAGACAAGGACTATCCTTGAGGCAAAACAAGCGGTGAGTATATTTTGAGATC-3'
Protein context (NP_005756.2, residues 263-283): LVTVKSFDTS[Leu273Phe]IRKTRTILEA